The following is an entry in ClinVar:

ClinVar aggregate classification (germline): Uncertain significance (1 of 4 stars; one submission).

Submission:

Labcorp Genetics (formerly Invitae), Labcorp
Classification: Uncertain significance. Last evaluated: 2025-01-13. Review status: criteria provided, single submitter. Criteria: Invitae Variant Classification Sherloc (09022015). Collection method: clinical testing. Allele origin: germline.
Comment: This sequence change creates a premature translational stop signal (p.Phe576Serfs*4) in the MCM4 gene. It is expected to result in an absent or disrupted protein product. However, the current clinical and genetic evidence is not sufficient to establish whether loss-of-function variants in MCM4 cause disease. This variant is not present in population databases (gnomAD no frequency). This variant has not been reported in the literature in individuals affected with MCM4-related conditions. In summary, the available evidence is currently insufficient to determine the role of this variant in disease. Therefore, it has been classified as a Variant of Uncertain Significance.

NM_182746.3(MCM4):c.1727del (p.Phe576fs)

Gene: MCM4 (minichromosome maintenance complex component 4; plus strand). Cytogenetic location: 8q11.21.
Variant type: Deletion.
Coding change: c.1727del on transcript NM_182746.3 (MANE Select); coding-DNA position 1727, one base deleted (T; older notation c.1727delT).
Protein change: p.Phe576fs; shifts the reading frame from phenylalanine 576.
Molecular consequence: frameshift variant.
Genome position (GRCh38, 1-based): chr8:47,970,803, T deleted; the last of 2 consecutive T bases (chr8:47,970,802-47,970,803); deleting either gives the same sequence. VCF-style (leftmost placement, unchanged base first): chr8-47970801-GT-G. GRCh37 (hg19) VCF-style: chr8-48883361-GT-G.
Other names: c.1727del, p.Phe576fs (NM_005914.4); short protein forms F576fs.
Identifiers: ClinVar variation 3621652 (VCV003621652.2).
Genomic context (GRCh38, chr8:47,970,801, plus strand): 5'-GCTGGTCCTGCAGACAGGTGCTCTTGTCCTGAGTGACAACGGCATCTGCTGTATCGATGA[GT>G]TCGACAAGATGAATGAAAGTACAAGATCGGTATTGCATGAAGTCATGGAACAGCAGACTC-3'